The following is an entry in ClinVar:

ClinVar aggregate classification (germline): Uncertain significance. Review status: criteria provided, multiple submitters, no conflicts (2 of 4 stars). 2 submissions from 2 submitters: Uncertain significance (2). Last evaluated 2022-08-23.

Conditions:
Early-infantile DEE. Also called: Early infantile epileptic encephalopathy with suppression bursts; Ohtahara syndrome; Early infantile epileptic encephalopathy. Identifiers: Orphanet 1934, MedGen C0393706, MONDO:0800491.

Allele frequency attached by ClinVar (database versions not stated): gnomAD exomes 0.00001; TOPMed 0.00001.
gnomAD v4.1: 15 of 1,612,584 alleles (0.00093%); highest among the groups gnomAD compares: South Asian, 0.012%; no homozygotes.

Submissions (2):

Labcorp Genetics (formerly Invitae), Labcorp
Classification: Uncertain significance for Early-infantile DEE. Last evaluated: 2022-08-23. Review status: criteria provided, single submitter. Criteria: Invitae Variant Classification Sherloc (09022015). Collection method: clinical testing. Allele origin: germline.
Comment: ClinVar contains an entry for this variant (Variation ID: 994752). In summary, the available evidence is currently insufficient to determine the role of this variant in disease. Therefore, it has been classified as a Variant of Uncertain Significance. Algorithms developed to predict the effect of missense changes on protein structure and function (SIFT, PolyPhen-2, Align-GVGD) all suggest that this variant is likely to be tolerated. This variant has not been reported in the literature in individuals affected with SCN1A-related conditions. This variant is present in population databases (no rsID available, gnomAD 0.01%). This sequence change replaces arginine, which is basic and polar, with lysine, which is basic and polar, at codon 274 of the SCN1A protein (p.Arg274Lys).

Athena Diagnostics
Classification: Uncertain significance. Last evaluated: 2020-02-11. Review status: criteria provided, single submitter. Criteria: Athena Diagnostics Criteria. Collection method: clinical testing. Allele origin: unknown.

NM_001165963.4(SCN1A):c.821G>A (p.Arg274Lys)

Gene: SCN1A (sodium voltage-gated channel alpha subunit 1; minus strand). Cytogenetic location: 2q24.3.
Variant type: single nucleotide variant.
Coding change: c.821G>A on transcript NM_001165963.4 (MANE Select); coding-DNA position 821, G replaced by A.
Protein change: p.Arg274Lys; replaces arginine 274 with lysine.
Molecular consequence: missense variant. On other transcripts: 5 prime UTR variant (1), non-coding transcript variant (1).
Genome position (GRCh38, 1-based): chr2:166,051,862, C>T on the plus strand (G>A on the coding strand, the complement: SCN1A is on the minus strand). VCF-style: chr2-166051862-C-T. GRCh37 (hg19) VCF-style: chr2-166908372-C-T.
Other names: c.821G>A, p.Arg274Lys (NM_001165964.3, NM_001202435.3, NM_001353948.2 and 10 more transcripts); c.-1605G>A (NM_001353961.2); short protein forms R274K.
Identifiers: ClinVar variation 994752 (VCV000994752.9), dbSNP rs1285055471, ClinGen allele CA349073169.